The following is an entry in ClinVar:

ClinVar aggregate classification (germline): Uncertain significance (1 of 4 stars; one submission).

Submission:

CeGaT Center for Human Genetics Tuebingen
Classification: Uncertain significance. Last evaluated: 2023-09-01. Review status: criteria provided, single submitter. Criteria: CeGaT Center For Human Genetics Tuebingen Variant Classification Criteria Version 2. Collection method: clinical testing. Allele origin: germline. Affected: yes. Observed: 1 variant allele.
Comment: GBA1: PM2, PM4:Supporting

NM_000157.4(GBA1):c.1437GAA[1] (p.Lys480del)

Genes: GBA1 (glucosylceramidase beta 1; minus strand), LOC106627981 (GBA recombination region; plus strand). Cytogenetic location: 1q22.
Variant type: Microsatellite.
Coding change: c.1437GAA[1] on transcript NM_000157.4 (MANE Select); one copy of the 3-base unit GAA starting at c.1437; the reference has two copies in a row; one copy, 3 bases deleted.
Protein change: p.Lys480del; deletes lysine 480.
Molecular consequence: inframe deletion.
Genome position (GRCh38, 1-based): chr1:155,235,258-155,235,260, TTC deleted on the plus strand (GAA on the coding strand, the reverse complement: GBA1 is on the minus strand); deleting any 3 consecutive bases within chr1:155,235,258-155,235,264 gives the same sequence; the position shown is the placement nearest the transcript's 3' end. VCF-style (leftmost placement, unchanged base first): chr1-155235257-GTTC-G. GRCh37 (hg19) VCF-style: chr1-155205048-GTTC-G.
Other names: c.1437GAA[1], p.Lys480del (NM_001005741.3, NM_001005742.3); c.1176GAA[1], p.Lys393del (NM_001171811.2); c.1290GAA[1], p.Lys431del (NM_001171812.2); short protein forms K393del, K431del, K480del.
Identifiers: ClinVar variation 2582864 (VCV002582864.25), dbSNP rs2524816565, ClinGen allele CA2573914545.
Genomic context (GRCh38, chr1:155,235,257, plus strand): 5'-GTTTAGCACGACCACAACAGCAGAGCCATCGGGATGCATCAGTGCCACTGCGTCCAGGTC[GTTC>G]TTCTGACTGGCAACCAGCCCCACTCTCTGGGAGCCCTCAGGAATGAACTTGCTGAATGTG-3'